The following is an entry in ClinVar:

ClinVar aggregate classification (germline): Uncertain significance (1 of 4 stars; one submission).

gnomAD v4.1: 3 of 1,614,004 alleles (0.00019%); highest among the groups gnomAD compares: Non-Finnish European, 0.00025%; no homozygotes.

Submission:

Labcorp Genetics (formerly Invitae), Labcorp
Classification: Uncertain significance. Last evaluated: 2025-09-02. Review status: criteria provided, single submitter. Criteria: Invitae Variant Classification Sherloc (09022015). Collection method: clinical testing. Allele origin: germline.
Comment: This sequence change replaces asparagine, which is neutral and polar, with aspartic acid, which is acidic and polar, at codon 1285 of the SETBP1 protein (p.Asn1285Asp). This variant is not present in population databases (gnomAD no frequency). This variant has not been reported in the literature in individuals affected with SETBP1-related conditions. ClinVar contains an entry for this variant (Variation ID: 3700980). Invitae Evidence Modeling of protein sequence and biophysical properties (such as structural, functional, and spatial information, amino acid conservation, physicochemical variation, residue mobility, and thermodynamic stability) indicates that this missense variant is not expected to disrupt SETBP1 protein function with a negative predictive value of 80%. In summary, the available evidence is currently insufficient to determine the role of this variant in disease. Therefore, it has been classified as a Variant of Uncertain Significance.

NM_015559.3(SETBP1):c.3853A>G (p.Asn1285Asp)

Gene: SETBP1 (SET binding protein 1; plus strand). Cytogenetic location: 18q12.3.
Variant type: single nucleotide variant.
Coding change: c.3853A>G on transcript NM_015559.3 (MANE Select); coding-DNA position 3853, A replaced by G.
Protein change: p.Asn1285Asp; replaces asparagine 1285 with aspartic acid.
Molecular consequence: missense variant.
Genome position (GRCh38, 1-based): chr18:44,953,193, A>G. VCF-style: chr18-44953193-A-G. GRCh37 (hg19) VCF-style: chr18-42533158-A-G.
Other names: c.3853A>G, p.Asn1285Asp (NM_001379141.1, NM_001379142.1, NM_001410862.1); short protein forms N1285D.
Identifiers: ClinVar variation 3700980 (VCV003700980.2).